The following is an entry in ClinVar:

NM_000260.4(MYO7A):c.2507G>A (p.Arg836His)

Gene: MYO7A (myosin VIIA; plus strand). Cytogenetic location: 11q13.5.
Variant type: single nucleotide variant.
Coding change: c.2507G>A on transcript NM_000260.4 (MANE Select); coding-DNA position 2507, G replaced by A.
Protein change: p.Arg836His; replaces arginine 836 with histidine.
Molecular consequence: missense variant.
Genome position (GRCh38, 1-based): chr11:77,179,874, G>A. VCF-style: chr11-77179874-G-A. GRCh37 (hg19) VCF-style: chr11-76890920-G-A.
Other names: c.2507G>A, p.Arg836His (NM_001127180.2); c.2474G>A, p.Arg825His (NM_001369365.1); short protein forms R836H, R825H.
Identifiers: ClinVar variation 306177 (VCV000306177.27), dbSNP rs782179888, ClinGen allele CA6197856.

ClinVar aggregate classification (germline): Conflicting classifications of pathogenicity. Review status: criteria provided, conflicting classifications (1 of 4 stars). 9 submissions from 7 submitters: Uncertain significance (6); Likely benign (1). 2 of the submissions do not count toward it. Last evaluated 2025-11-25.

Conditions:
Autosomal dominant nonsyndromic hearing loss 11. Identifiers: Orphanet 90635, MedGen C1832475, MONDO:0011032, OMIM 601317.
MYO7A-related disorder. Also called: MYO7A-related disorders.
Autosomal recessive nonsyndromic hearing loss 2. Also called: DEAFNESS, AUTOSOMAL RECESSIVE 2; NEUROSENSORY NONSYNDROMIC RECESSIVE DEAFNESS 2. Identifiers: Orphanet 90636, MedGen C1838701, MONDO:0010807, OMIM 600060.
Meniere disease. Also called: Ménière's disease. Identifiers: MedGen C0025281, MONDO:0007972, OMIM 156000.
Usher syndrome type 1 (USH1). Also called: RETINITIS PIGMENTOSA AND CONGENITAL DEAFNESS. Identifiers: Orphanet 231169, Orphanet 886, MedGen C1568247, MONDO:0010168, OMIM 276900.
Usher syndrome type 1B (USH1B). Also called: Usher syndrome type IB. Identifiers: MedGen C1848638, MONDO:0700087.

Allele frequency attached by ClinVar (database versions not stated): gnomAD exomes 0.00003 and 0.00006; gnomAD 0.00004 and 0.00005; TOPMed 0.00005; ExAC 0.00023.
gnomAD v4.1: 48 of 1,540,808 alleles (0.0031%); highest among the groups gnomAD compares: African/African-American, 0.015%; no homozygotes.

Submissions (9):

GeneDx
Classification: Uncertain significance. Last evaluated: 2025-11-25. Review status: criteria provided, single submitter. Criteria: GeneDx Variant Classification Process June 2021. Collection method: clinical testing. Allele origin: germline. Affected: yes.
Comment: In silico analysis supports that this missense variant has a deleterious effect on protein structure/function; This variant is associated with the following publications: (PMID: 34391192)

Labcorp Genetics (formerly Invitae), Labcorp
Classification: Uncertain significance. Last evaluated: 2025-06-06. Review status: criteria provided, single submitter. Criteria: Invitae Variant Classification Sherloc (09022015). Collection method: clinical testing. Allele origin: germline.
Comment: This sequence change replaces arginine, which is basic and polar, with histidine, which is basic and polar, at codon 836 of the MYO7A protein (p.Arg836His). This variant is present in population databases (rs782179888, gnomAD 0.02%). This variant has not been reported in the literature in individuals affected with MYO7A-related conditions. ClinVar contains an entry for this variant (Variation ID: 306177). Invitae Evidence Modeling of protein sequence and biophysical properties (such as structural, functional, and spatial information, amino acid conservation, physicochemical variation, residue mobility, and thermodynamic stability) indicates that this missense variant is not expected to disrupt MYO7A protein function with a negative predictive value of 95%. In summary, the available evidence is currently insufficient to determine the role of this variant in disease. Therefore, it has been classified as a Variant of Uncertain Significance.

Otology & Neurotology- Genomics of vestibular disorders (CTS-495), Jose Antonio López Escámez, Centro Pfizer - Universidad de Granada - Junta de Andalucía de Genómica e Investigación Oncológica (GENYO)
Classification: Uncertain significance for Meniere disease. Last evaluated: 2020-12-14. Review status: criteria provided, single submitter. Criteria: ACMG Guidelines, 2015. Collection method: case-control. Allele origin: germline. Affected: yes. Observed: 2 heterozygotes. Clinical features observed: Sensorineural hearing loss (HP:0000407), Vertigo (HP:0002321), Tinnitus (HP:0000360).

ARUP Laboratories, Molecular Genetics and Genomics, ARUP Laboratories
Classification: Uncertain significance. Last evaluated: 2020-04-17. Review status: criteria provided, single submitter. Criteria: ARUP Molecular Germline Variant Investigation Process. Collection method: clinical testing. Allele origin: germline.
Comment: The MYO7A c.2507G>A; p.Arg836His variant (rs782179888), to our knowledge, is not reported in the medical literature but is reported in ClinVar (Variation ID: 306177). This variant is only observed on eight alleles in the Genome Aggregation Database, indicating it is not a common polymorphism. The arginine at codon 836 is moderately conserved, and computational analyses (SIFT: damaging, PolyPhen-2: benign) predict conflicting effects of this variant on protein structure/function. Due to limited information, the clinical significance of the p.Arg836His variant is uncertain at this time.

Illumina Laboratory Services, Illumina
Classification: Likely benign for Autosomal dominant nonsyndromic hearing loss 11. Last evaluated: 2018-01-12. Review status: criteria provided, single submitter. Criteria: ICSL Variant Classification Criteria 13 December 2019. Collection method: clinical testing. Allele origin: germline.
Comment: This variant was observed in the ICSL laboratory as part of a predisposition screen in an ostensibly healthy population. It had not been previously curated by ICSL or reported in the Human Gene Mutation Database (HGMD: prior to June 1st, 2018), and was therefore a candidate for classification through an automated scoring system. Utilizing variant allele frequency, disease prevalence and penetrance estimates, and inheritance mode, an automated score was calculated to assess if this variant is too frequent to cause the disease. Based on the score and internal cut-off values, a variant classified as likely benign is not then subjected to further curation. The score for this variant resulted in a classification of likely benign for this disease.

Illumina Laboratory Services, Illumina
Classification: Uncertain significance for Usher syndrome type 1. Last evaluated: 2018-01-12. Review status: criteria provided, single submitter. Criteria: ICSL Variant Classification Criteria 13 December 2019. Collection method: clinical testing. Allele origin: germline.

Illumina Laboratory Services, Illumina
Classification: Uncertain significance for Autosomal recessive nonsyndromic hearing loss 2. Last evaluated: 2018-01-12. Review status: criteria provided, single submitter. Criteria: ICSL Variant Classification Criteria 13 December 2019. Collection method: clinical testing. Allele origin: germline.

PreventionGenetics, part of Exact Sciences
Classification: Uncertain significance for MYO7A-related condition. Last evaluated: 2024-04-17. Review status: no assertion criteria provided. Collection method: clinical testing. Allele origin: germline. Not counted in ClinVar's aggregate classification.
Comment: The MYO7A c.2507G>A variant is predicted to result in the amino acid substitution p.Arg836His. To our knowledge, this variant has not been reported in the literature. This variant is reported in 0.018% of alleles in individuals of South Asian descent in gnomAD. At this time, the clinical significance of this variant is uncertain due to the absence of conclusive functional and genetic evidence.

Natera, Inc.
Classification: Uncertain significance for Usher syndrome type 1B. Last evaluated: 2019-11-11. Review status: no assertion criteria provided. Collection method: clinical testing. Allele origin: germline. Not counted in ClinVar's aggregate classification.